The following is an entry in ClinVar:

ClinVar aggregate classification (germline): other (0 of 4 stars; one submission).

Conditions:
Familial colorectal cancer. Identifiers: MedGen CN280943, MONDO:0023113. Disease mechanism: loss of function.

Submission:

Systems Biology Platform Zhejiang California International NanoSystems Institute
Classification: other for Familial colorectal cancer. Review status: no assertion criteria provided. Collection method: not provided. Allele origin: unknown.
ClinVar note: Converted during submission from cancer to other.

NC_000005.10:g.112848716A>G

Variant type: single nucleotide variant.
Genome position: GRCh38 VCF-style: chr5-112848716-A-G. GRCh37 (hg19) VCF-style: chr5-112184413-A-G.
Identifiers: ClinVar variation 83283 (VCV000083283.3), dbSNP rs79221286, ClinGen allele CA250975.